The following is an entry in ClinVar:

NM_000368.5(TSC1):c.1829T>A (p.Val610Glu)

Gene: TSC1 (TSC complex subunit 1; minus strand). Cytogenetic location: 9q34.13.
Variant type: single nucleotide variant.
Coding change: c.1829T>A on transcript NM_000368.5 (MANE Select); coding-DNA position 1829, T replaced by A.
Protein change: p.Val610Glu; replaces valine 610 with glutamic acid.
Molecular consequence: missense variant.
Genome position (GRCh38, 1-based): chr9:132,905,749, A>T on the plus strand (T>A on the coding strand, the complement: TSC1 is on the minus strand). VCF-style: chr9-132905749-A-T. GRCh37 (hg19) VCF-style: chr9-135781136-A-T.
Other names: c.1463T>A, p.Val488Glu (NM_001406621.1, NM_001406623.1, NM_001406622.1 and 2 more transcripts); c.878T>A, p.Val293Glu (NM_001406626.1); c.875T>A, p.Val292Glu (NM_001406627.1, NM_001406628.1); c.776T>A, p.Val259Glu (NM_001406629.1, NM_001406630.1); c.1466T>A, p.Val489Glu (NM_001406624.1, NM_001362177.2, NM_001406614.1 and 5 more transcripts); c.1826T>A, p.Val609Glu (NM_001162426.2, NM_001406597.1, NM_001406598.1 and 6 more transcripts); c.1676T>A, p.Val559Glu (NM_001162427.2, NM_001406610.1); c.1829T>A, p.Val610Glu (NM_001406592.1, NM_001406593.1, NM_001406594.1 and 7 more transcripts); and 1 more; short protein forms V292E, V558E, V609E, V293E, V489E, V559E, V259E, V488E.
Identifiers: ClinVar variation 1780905 (VCV001780905.2), dbSNP rs1845619064, ClinGen allele CA375363227.

ClinVar aggregate classification (germline): Uncertain significance (1 of 4 stars; one submission).

Conditions:
Hereditary cancer-predisposing syndrome. Also called: Neoplastic Syndromes, Hereditary; Tumor predisposition; Hereditary Cancer Syndrome; Hereditary neoplastic syndrome. Identifiers: Orphanet 140162, MedGen C0027672, MeSH D009386, MONDO:0015356.

Allele frequency attached by ClinVar (database versions not stated): gnomAD exomes below 0.00001; TOPMed below 0.00001.
gnomAD v4.1: 1 of 1,614,138 alleles (0.000062%); highest among the groups gnomAD compares: Non-Finnish European, 0.000085%; no homozygotes.

Submission:

Ambry Genetics
Classification: Uncertain significance for Hereditary cancer-predisposing syndrome. Last evaluated: 2021-08-09. Review status: criteria provided, single submitter. Criteria: Ambry Variant Classification Scheme 2023. Collection method: clinical testing. Allele origin: germline.
Comment: The p.V610E variant (also known as c.1829T>A), located in coding exon 13 of the TSC1 gene, results from a T to A substitution at nucleotide position 1829. The valine at codon 610 is replaced by glutamic acid, an amino acid with dissimilar properties. This amino acid position is not well conserved in available vertebrate species. In addition, the in silico prediction for this alteration is inconclusive. Since supporting evidence is limited at this time, the clinical significance of this alteration remains unclear.